The following is an entry in ClinVar:

NM_005477.3(HCN4):c.*127A>G

Gene: HCN4 (hyperpolarization activated cyclic nucleotide gated potassium channel 4; minus strand). Cytogenetic location: 15q24.1.
Variant type: single nucleotide variant.
Coding change: c.*127A>G on transcript NM_005477.3 (MANE Select); 127 bases downstream of the stop codon, A replaced by G.
Molecular consequence: 3 prime UTR variant.
Genome position (GRCh38, 1-based): chr15:73,322,354, T>C on the plus strand (A>G on the coding strand, the complement: HCN4 is on the minus strand). VCF-style: chr15-73322354-T-C. GRCh37 (hg19) VCF-style: chr15-73614695-T-C.
Identifiers: ClinVar variation 884693 (VCV000884693.4), dbSNP rs41277726, ClinGen allele CA272662825.
Genomic context (GRCh38, chr15:73,322,354, plus strand): 5'-AAGCAAGTGACCAAAAATCTATAGCTCTAAGAATACCTGGTTATTTTCTGCTGTCTTTTG[T>C]TTTTCTGGTGTGTGTGGTTTTTTAAATAATTATTACTGTTATTGGTATATCTCCTAATCA-3'

ClinVar aggregate classification (germline): Benign (1 of 4 stars; one submission).

Conditions:
Sick sinus syndrome 2, autosomal dominant (SSS2). Also called: SICK SINUS SYNDROME 2; SICK SINUS SYNDROME 2 WITH OR WITHOUT CARDIAC NONCOMPACTION AND/OR ASCENDING AORTA DILATION; ATRIAL FIBRILLATION WITH BRADYARRHYTHMIA; SINUS BRADYCARDIA SYNDROME, FAMILIAL, AUTOSOMAL DOMINANT; SINUS NODE DISEASE, FAMILIAL, AUTOSOMAL DOMINANT. Identifiers: Orphanet 166282, MedGen C1834144, MONDO:0008102, OMIM 163800.

Allele frequency attached by ClinVar (database versions not stated): 1000 Genomes Project 0.00579; 1000 Genomes Project 30x 0.00640; TOPMed 0.00677; gnomAD 0.00747 and 0.00775; gnomAD exomes 0.01000.
gnomAD v4.1: 8,320 of 872,052 alleles (0.95%); highest among the groups gnomAD compares: Non-Finnish European, 1.2%; 56 homozygotes.

Submission:

Illumina Laboratory Services, Illumina
Classification: Benign for Sick sinus syndrome 2, autosomal dominant. Last evaluated: 2018-01-13. Review status: criteria provided, single submitter. Criteria: ICSL Variant Classification Criteria 13 December 2019. Collection method: clinical testing. Allele origin: germline.
Comment: This variant was observed in the ICSL laboratory as part of a predisposition screen in an ostensibly healthy population. It had not been previously curated by ICSL or reported in the Human Gene Mutation Database (HGMD: prior to June 1st, 2018), and was therefore a candidate for classification through an automated scoring system. Utilizing variant allele frequency, disease prevalence and penetrance estimates, and inheritance mode, an automated score was calculated to assess if this variant is too frequent to cause the disease. Based on the score and internal cut-off values, a variant classified as benign is not then subjected to further curation. The score for this variant resulted in a classification of benign for this disease.